The following is an entry in ClinVar:

NM_016169.4(SUFU):c.6G>A (p.Ala2=)

Genes: SUFU (SUFU negative regulator of hedgehog signaling; plus strand), LOC130004614 (ATAC-STARR-seq lymphoblastoid silent region 2764; plus strand). Cytogenetic location: 10q24.32.
Variant type: single nucleotide variant.
Coding change: c.6G>A on transcript NM_016169.4 (MANE Select); coding-DNA position 6, G replaced by A.
Protein change: p.Ala2=; no amino-acid change (alanine 2 retained).
Molecular consequence: synonymous variant.
Genome position (GRCh38, 1-based): chr10:102,504,158, G>A. VCF-style: chr10-102504158-G-A. GRCh37 (hg19) VCF-style: chr10-104263915-G-A.
Other names: c.6G>A, p.Ala2= (NM_001178133.2).
Identifiers: ClinVar variation 513523 (VCV000513523.11), dbSNP rs746555296, ClinGen allele CA471304751.

ClinVar aggregate classification (germline): Likely benign. Review status: criteria provided, multiple submitters, no conflicts (2 of 4 stars). 3 submissions from 3 submitters: Likely benign (3). Last evaluated 2025-11-25.

Conditions:
Gorlin syndrome. Also called: Nevoid Basal Cell Carcinoma Syndrome; Basal cell nevus syndrome. Identifiers: Orphanet 377, MedGen C0004779, MONDO:0007187.
Medulloblastoma (MDB). Also called: MEDULLOBLASTOMA PREDISPOSITION SYNDROME; Medulloblastoma, somatic. Identifiers: Orphanet 616, MedGen C0025149, MeSH D008527, MONDO:0007959, OMIM 155255, HP:0002885.
Hereditary cancer-predisposing syndrome. Also called: Hereditary Cancer Syndrome; Tumor predisposition; Neoplastic Syndromes, Hereditary; Hereditary neoplastic syndrome. Identifiers: Orphanet 140162, MedGen C0027672, MeSH D009386, MONDO:0015356.

gnomAD v4.1: 15 of 1,543,876 alleles (0.00097%); highest among the groups gnomAD compares: Non-Finnish European, 0.0013%; no homozygotes.

Submissions (3):

Labcorp Genetics (formerly Invitae), Labcorp
Classification: Likely benign for Gorlin syndrome; Medulloblastoma. Last evaluated: 2025-11-25. Review status: criteria provided, single submitter. Criteria: Invitae Variant Classification Sherloc (09022015). Collection method: clinical testing. Allele origin: germline.

Ambry Genetics
Classification: Likely benign for Hereditary cancer-predisposing syndrome. Last evaluated: 2020-03-10. Review status: criteria provided, single submitter. Criteria: Ambry Variant Classification Scheme 2023. Collection method: clinical testing. Allele origin: germline.

GeneDx
Classification: Likely benign. Last evaluated: 2017-11-20. Review status: criteria provided, single submitter. Criteria: GeneDx Variant Classification (06012015). Collection method: clinical testing. Allele origin: germline. Affected: yes.
Comment: This variant is considered likely benign or benign based on one or more of the following criteria: it is a conservative change, it occurs at a poorly conserved position in the protein, it is predicted to be benign by multiple in silico algorithms, and/or has population frequency not consistent with disease.